The following is an entry in ClinVar:

NM_020800.3(IFT80):c.1406A>G (p.Asp469Gly)

Genes: IFT80 (intraflagellar transport 80; minus strand), TRIM59-IFT80 (TRIM59-IFT80 readthrough (NMD candidate); minus strand). Cytogenetic location: 3q25.33.
Variant type: single nucleotide variant.
Coding change: c.1406A>G on transcript NM_020800.3 (MANE Select); coding-DNA position 1406, A replaced by G.
Protein change: p.Asp469Gly; replaces aspartic acid 469 with glycine.
Molecular consequence: missense variant. On other transcripts: non-coding transcript variant (3).
Genome position (GRCh38, 1-based): chr3:160,282,588, T>C on the plus strand (A>G on the coding strand, the complement: IFT80 is on the minus strand). VCF-style: chr3-160282588-T-C. GRCh37 (hg19) VCF-style: chr3-160000376-T-C.
Other names: c.995A>G, p.Asp332Gly (NM_001190241.2, NM_001190242.2); short protein forms D469G, D332G.
Identifiers: ClinVar variation 390611 (VCV000390611.3), dbSNP rs1057523840, ClinGen allele CA16604487.
Genomic context (GRCh38, chr3:160,282,588, plus strand): 5'-CAGAGATCTCTATTTTTATCAATGAAAGCAATTTTTCTATCATTGGTAAGTCCTTTTTGA[T>C]CCAGAGCAATTTCCAAGATTTCATTCTAAAATTTTTTTTAAATGTAAATACTGGGTTAGT-3'
Protein context (NP_065851.1, residues 459-479): HKNEILEIAL[Asp469Gly]QKGLTNDRKI

ClinVar aggregate classification (germline): Conflicting classifications of pathogenicity. Review status: criteria provided, conflicting classifications (1 of 4 stars). 2 submissions from 2 submitters: Likely pathogenic (1); Uncertain significance (1). Last evaluated 2016-11-21.

Conditions:
Asphyxiating thoracic dystrophy 2 (SRTD2). Also called: SHORT-RIB THORACIC DYSPLASIA 2 WITH OR WITHOUT POLYDACTYLY; SHORT-RIB THORACIC DYSPLASIA 2 WITH POLYDACTYLY; SHORT-RIB THORACIC DYSPLASIA 2 WITHOUT POLYDACTYLY. Identifiers: Orphanet 474, MedGen C1970005, MONDO:0012644, OMIM 611263.

Submissions (2):

GeneDx
Classification: Likely pathogenic. Last evaluated: 2016-11-21. Review status: criteria provided, single submitter. Criteria: GeneDx Variant Classification (06012015). Collection method: clinical testing. Allele origin: germline. Affected: yes.
Comment: The D469G variant in the IFT80 gene has not been reported previously as a pathogenic variant, nor as a benign variant, to our knowledge. The D469G variant was not observed in approximately 6,500 individuals of European and African American ancestry in the NHLBI Exome Sequencing Project, indicating it is not a common benign variant in these populations. The D469G variant is a non-conservative amino acid substitution, which is likely to impact secondary protein structure as these residues differ in polarity, charge, size and/or other properties. This substitution occurs at a position that is conserved across species. In silico analysis predicts this variant is probably damaging to the protein structure/function. Therefore, we interpret D469G as a likely pathogenic variant.

Neuberg Centre For Genomic Medicine, NCGM
Classification: Uncertain significance for Asphyxiating thoracic dystrophy 2. Review status: criteria provided, single submitter. Criteria: ACMG Guidelines, 2015. Collection method: clinical testing. Allele origin: germline. Inheritance: Autosomal recessive inheritance. Affected: yes.
Comment: The missense c.1406A>G p.Asp469Gly variant in IFT80 gene has not been reported previously as a pathogenic variant nor as a benign variant, to our knowledge. The p.Asp469Gly variant is novel not in any individuals in both gnomAD Exomes and 1000 Genomes databases. This variant gene has been reported to the ClinVar database as Likely Pathogenic, but no details are available for independent assessment. The amino acid change p.Asp469Gly in IFT80 is predicted as conserved by GERP++ and PhyloP across 100 vertebrates. The amino acid Asp at position 469 is changed to a Gly changing protein sequence and it might alter its composition and physico-chemical properties. Additional studies will be required to prove the pathogenicity of this variant. For these reasons, this variant has been classified as a Variant of Uncertain Significance VUS.